The following is an entry in ClinVar:

ClinVar aggregate classification (germline): Likely benign. Review status: criteria provided, multiple submitters, no conflicts (2 of 4 stars). 2 submissions from 2 submitters: Likely benign (2). Last evaluated 2025-07-24.

Conditions:
LRP5-related disorder. Also called: LRP5-related condition.

gnomAD v4.1: 24 of 1,613,954 alleles (0.0015%); highest among the groups gnomAD compares: Middle Eastern, 0.033%; no homozygotes.

Submissions (2):

PreventionGenetics, part of Exact Sciences
Classification: Likely benign for LRP5-related condition. Last evaluated: 2025-07-24. Review status: criteria provided, single submitter. Criteria: ACMG Guidelines, 2015. Collection method: clinical testing. Allele origin: germline.
Comment: This variant is classified as likely benign based on ACMG/AMP sequence variant interpretation guidelines (Richards et al. 2015 PMID: 25741868, with internal and published modifications).

Labcorp Genetics (formerly Invitae), Labcorp
Classification: Likely benign. Last evaluated: 2024-12-02. Review status: criteria provided, single submitter. Criteria: Invitae Variant Classification Sherloc (09022015). Collection method: clinical testing. Allele origin: germline.

NM_002335.4(LRP5):c.375G>A (p.Thr125=)

Gene: LRP5 (LDL receptor related protein 5; plus strand). Cytogenetic location: 11q13.2.
Variant type: single nucleotide variant.
Coding change: c.375G>A on transcript NM_002335.4 (MANE Select); coding-DNA position 375, G replaced by A.
Protein change: p.Thr125=; no amino-acid change (threonine 125 retained).
Molecular consequence: synonymous variant. On other transcripts: 5 prime UTR variant (1).
Genome position (GRCh38, 1-based): chr11:68,348,130, G>A. VCF-style: chr11-68348130-G-A. GRCh37 (hg19) VCF-style: chr11-68115598-G-A.
Other names: c.375G>A (NM_002335.3); c.-1391G>A (NM_001291902.2).
Identifiers: ClinVar variation 1149006 (VCV001149006.11), dbSNP rs780348578, ClinGen allele CA6148971.